The following continues an entry in ClinVar:

NM_000492.3(CFTR):c.1521_1523del (p.Phe508del)

ClinVar aggregate classification (germline): Pathogenic. Pathogenic (1).

Submissions 64 to 86 of 104:

Laboratorio de Genetica e Diagnostico Molecular, Hospital Israelita Albert Einstein
Classification: Pathogenic. Last evaluated: 2019-05-03. Review status: criteria provided, single submitter. Criteria: ACMG Guidelines, 2015. Collection method: clinical testing. Allele origin: germline. Affected: yes. Not counted in ClinVar's aggregate classification.
Comment: ACMG classification criteria: PS3, PM2, PM4, PP1, PP4, PP5

Johns Hopkins Genomics, Johns Hopkins University
Classification: Pathogenic for Cystic fibrosis. Last evaluated: 2019-01-15. Review status: criteria provided, single submitter. Criteria: ACMG Guidelines, 2015. Collection method: clinical testing. Allele origin: germline. Inheritance: Autosomal recessive inheritance. Not counted in ClinVar's aggregate classification.

Mendelics
Classification: Pathogenic for Cystic fibrosis. Last evaluated: 2018-11-05. Review status: criteria provided, single submitter. Criteria: Mendelics Assertion Criteria 2017. Collection method: clinical testing. Allele origin: unknown. Affected: yes. Not counted in ClinVar's aggregate classification.

Victorian Clinical Genetics Services, Murdoch Childrens Research Institute
Classification: Pathogenic for Cystic fibrosis. Last evaluated: 2018-09-03. Review status: criteria provided, single submitter. Criteria: ACMG Guidelines, 2015. Collection method: clinical testing. Allele origin: maternal. Observed: 2 variant alleles. Not counted in ClinVar's aggregate classification.
Comment: A heterozygous inframe deletion variant, NM_000492.3(CFTR):c.1521_1523del, has been identified in exon 11 of 27 in the CFTR gene. The variant is predicted to result in an inframe deletion of a single amino acid at position 508 of the protein, NP_000483.3(CFTR):p.(Phe508del). The phenylalanine at this position has very high conservation (UCSC, 100 vertebrates), and is located in the ABC transporter 1 functional domain. This variant is present in the gnomAD database at a frequency of 0.7% (2027 heterozygotes, 1 homozygote), and has been previously reported multiple times in individuals with cystic fibrosis, being the most common causative variant in the CFTR gene (ClinVar; Egan, ME. et al. (2016)). Based on information available at the time of curation, this variant has been classified as PATHOGENIC.

GeneDx
Classification: Pathogenic. Last evaluated: 2018-07-30. Review status: criteria provided, single submitter. Criteria: GeneDx Variant Classification (06012015). Collection method: clinical testing. Allele origin: germline. Affected: yes. Not counted in ClinVar's aggregate classification.
Comment: The c.1521_1523delCTT pathogenic variant in the CFTR gene (also known as p.Phe508del or delta F508) is the most common variant identified in the CFTR gene, with up to 90% of individuals with cystic fibrosis (CF) having at least one copy of the c.1521_1523delCTT variant (Cai et al., 2011). The c.1521_1523delCTT variant results in an in-frame deletion of a single Phenylalanine residue at codon 508. Individuals who are homozygous for the c.1521_1523delCTT variant demonstrate the classic features of CF, whereas individuals compound heterozygous for the c.1521_1523delCTT variant and another CFTR variant may have a modified disease phenotype (Ong et al., 2017). Heterozygous carriers of the c.1521_1523delCTT variant are usually asymptomatic, however, may be at increased risk for developing a CFTR-related disorder, as an increased prevalence of single CFTR pathogenic variants has been observed among individuals with chronic pulmonary conditions, CAVD and pancreatitis (Cuppens et al., 2004; Bombieri et al., 2011). We interpret the c.1521_1523delCTT variant as a pathogenic variant.

CFTR-France
Classification: Pathogenic for cystic fibrosis. Last evaluated: 2018-01-29. Review status: criteria provided, single submitter. Criteria: Claustres M et al. (Hum Mutat 2017). Collection method: curation. Allele origin: germline. Affected: yes. Not counted in ClinVar's aggregate classification.

Department of Genetics, Sultan Qaboos University Hospital
Classification: Pathogenic for Cystic fibrosis. Last evaluated: 2017-12-30. Review status: criteria provided, single submitter. Criteria: ACMG Guidelines, 2015. Collection method: clinical testing. Allele origin: unknown. Affected: yes. Not counted in ClinVar's aggregate classification.

Eurofins Ntd Llc (ga)
Classification: Pathogenic. Last evaluated: 2017-01-03. Review status: criteria provided, single submitter. Criteria: EGL Classification Definitions. Collection method: clinical testing. Allele origin: germline. Observed: 210 variant alleles, 203 heterozygotes, 7 homozygotes. Not counted in ClinVar's aggregate classification.

Centre for Mendelian Genomics, University Medical Centre Ljubljana
Classification: Likely pathogenic for Duodenal stenosis. Last evaluated: 2017-01-01. Review status: criteria provided, single submitter. Criteria: ACMG Guidelines, 2015. Collection method: clinical testing. Allele origin: unknown. Affected: yes. Not counted in ClinVar's aggregate classification.

Centre for Mendelian Genomics, University Medical Centre Ljubljana
Classification: Pathogenic for Recurrent pancreatitis. Last evaluated: 2017-01-01. Review status: criteria provided, single submitter. Criteria: ACMG Guidelines, 2015. Collection method: clinical testing. Allele origin: unknown. Affected: yes. Not counted in ClinVar's aggregate classification.

Center for Pediatric Genomic Medicine, Children's Mercy Hospital and Clinics
Classification: Pathogenic. Last evaluated: 2016-10-28. Review status: criteria provided, single submitter. Criteria: ACMG Guidelines, 2015. Collection method: clinical testing. Allele origin: germline. Not counted in ClinVar's aggregate classification.

Genetic Services Laboratory, University of Chicago
Classification: Pathogenic for Cystic fibrosis. Last evaluated: 2016-08-26. Review status: criteria provided, single submitter. Criteria: ACMG Guidelines, 2015. Collection method: clinical testing. Allele origin: germline. Affected: yes. Not counted in ClinVar's aggregate classification.

Knight Diagnostic Laboratories, Oregon Health and Sciences University
Classification: Pathogenic for Cystic fibrosis. Last evaluated: 2016-03-30. Review status: criteria provided, single submitter. Criteria: ACMG Guidelines, 2015. Collection method: clinical testing. Allele origin: germline. Affected: no. Study: CSER-NextGen. Not counted in ClinVar's aggregate classification.
Comment: The c.1521_1523delCTT (p.Phe508del), also known as Î”F508, is an in-frame deletion in the CFTR gene. This variant is the most common CF-causing mutation, accounting for an estimated 72% of mutant alleles in people of European ancestry (Watson et al., 2004). This p.Phe508del variant is classified as a class II mutation that blocks the processing of the CFTR protein (Welsh et al., 2001). This variant has been reported at low frequencies (1.0%) in 1000 Genomes and ExAc population databases, but has not been reported in the Exome Sequencing Project database (ESP). The CFTR2 database has 32,833 patients that have this mutation, which they classify as CF-causing. Therefore, this collective evidence supports the classification of the c.1521_1523delCTT (p.Phe508del) as a recessive pathogenic variant for Cystic fibrosis.

Clinical Genetics and Genomics, Karolinska University Hospital
Classification: Pathogenic. Last evaluated: 2014-07-29. Review status: criteria provided, single submitter. Criteria: ACMG Guidelines, 2015. Collection method: clinical testing. Allele origin: germline. Affected: yes. Observed: 27 variant alleles. Not counted in ClinVar's aggregate classification.

HudsonAlpha Institute for Biotechnology
Classification: Pathogenic for Cystic fibrosis. Last evaluated: 2013-10-21. Review status: criteria provided, single submitter. Criteria: HA_assertions_20150911. Collection method: research. Allele origin: unknown, paternal, maternal. Observed: 35 variant alleles. Study: CSER-HudsonAlpha. Not counted in ClinVar's aggregate classification.

Arcensus
Classification: Pathogenic for Cystic fibrosis. Last evaluated: 2013-02-01. Review status: criteria provided, single submitter. Criteria: ACMG Guidelines, 2015. Collection method: clinical testing. Allele origin: germline. Affected: yes. Not counted in ClinVar's aggregate classification.

Baylor Genetics
Classification: Pathogenic for Congenital bilateral aplasia of vas deferens from CFTR mutation; Cystic fibrosis. Review status: criteria provided, single submitter. Criteria: ACMG Guidelines, 2015. Collection method: clinical testing. Allele origin: germline. Not counted in ClinVar's aggregate classification.

CENTOGENE GmbH and LLC - Guiding Precision Medicine
Classification: Pathogenic for Cystic fibrosis. Review status: criteria provided, single submitter. Criteria: ACMG Guidelines, 2015. Collection method: clinical testing. Allele origin: germline. Affected: yes. Not counted in ClinVar's aggregate classification.

Clinical Genetics Service, Universitary Hospital 12 de Octubre
Classification: Pathogenic for Cystic fibrosis. Review status: criteria provided, single submitter. Criteria: ACMG Guidelines, 2015. Collection method: clinical testing. Allele origin: germline. Affected: yes. Not counted in ClinVar's aggregate classification.

Imagene.me medical diagnostic laboratory, IMAGENE.ME SA
Classification: Pathogenic for Cystic fibrosis. Review status: criteria provided, single submitter. Criteria: IMAGENE.ME Variant Classification SOP 2022. Collection method: clinical testing. Allele origin: germline. Affected: yes. Not counted in ClinVar's aggregate classification.
Comment: Classified according to the IMAGENE.ME variant classification SOP based on the ACMG guidelines as Pathogenic (P).

Institute of Human Genetics, University Hospital of Duesseldorf
Classification: Pathogenic for Bronchiectasis with or without elevated sweat chloride 1. Review status: criteria provided, single submitter. Criteria: ACMG Guidelines, 2015. Collection method: not provided. Allele origin: germline. Inheritance: Autosomal recessive inheritance. Affected: yes. Not counted in ClinVar's aggregate classification.

Kariminejad - Najmabadi Pathology & Genetics Center
Classification: Pathogenic for Cystic fibrosis. Review status: criteria provided, single submitter. Criteria: ACMG Guidelines, 2015. Collection method: clinical testing. Allele origin: germline. Affected: no. Not counted in ClinVar's aggregate classification.

Kasturba Medical College, Manipal, Kasturba Medical College, Manipal, Manipal Academy of Higher Education, Manipal, India
Classification: Pathogenic for Cystic fibrosis. Review status: criteria provided, single submitter. Criteria: ACMG Guidelines, 2015. Collection method: clinical testing. Allele origin: inherited. Affected: yes. Not counted in ClinVar's aggregate classification.